The following is an entry in ClinVar:

NM_001244008.2(KIF1A):c.1984C>T (p.Arg662Trp)

Gene: KIF1A (kinesin family member 1A; minus strand). Cytogenetic location: 2q37.3.
Variant type: single nucleotide variant.
Coding change: c.1984C>T on transcript NM_001244008.2 (MANE Select); coding-DNA position 1984, C replaced by T.
Protein change: p.Arg662Trp; replaces arginine 662 with tryptophan.
Molecular consequence: missense variant.
Genome position (GRCh38, 1-based): chr2:240,763,057, G>A on the plus strand (C>T on the coding strand, the complement: KIF1A is on the minus strand). VCF-style: chr2-240763057-G-A. GRCh37 (hg19) VCF-style: chr2-241702474-G-A.
Other names: c.1984C>T, p.Arg662Trp (NM_001320705.2, NM_001330289.2, NM_001379638.1); c.2059C>T, p.Arg687Trp (NM_001330290.2, NM_001379631.1, NM_001379634.1 and 2 more transcripts); c.1957C>T, p.Arg653Trp (NM_001379632.1, NM_001379633.1, NM_001379636.1 and 11 more transcripts); c.2032C>T, p.Arg678Trp (NM_001379637.1, NM_001379648.1); c.1957C>T (NM_004321.6); short protein forms R653W, R662W, R678W, R687W.
Identifiers: ClinVar variation 1783853 (VCV001783853.6), dbSNP rs1318139968, ClinGen allele CA351326655.

ClinVar aggregate classification (germline): Uncertain significance. Review status: criteria provided, multiple submitters, no conflicts (2 of 4 stars). 3 submissions from 3 submitters: Uncertain significance (3). Last evaluated 2025-02-12.

Conditions:
Inborn genetic diseases. Identifiers: MedGen C0950123, MeSH D030342.
Hereditary spastic paraplegia 30. Identifiers: Orphanet 101010, MedGen C5235139, MONDO:0012476.
Neuropathy, hereditary sensory, type 2C. Also called: Hereditary sensory and autonomic neuropathy type IIC; KIF1A-Related HSAN2 (HSAN2C). Identifiers: Orphanet 970, MedGen C3280168, MONDO:0013634, OMIM 614213.
Intellectual disability, autosomal dominant 9 (NESCAVS). Also called: NESCAV SYNDROME; KIF1A-Related Neurodevelopmental Disorder. Identifiers: Orphanet 662367, MedGen C5393830, MONDO:0013656, OMIM 614255.

Allele frequency attached by ClinVar (database versions not stated): gnomAD exomes below 0.00001; TOPMed 0.00001.
gnomAD v4.1: 4 of 1,545,854 alleles (0.00026%); highest among the groups gnomAD compares: Non-Finnish European, 0.00026%; no homozygotes.

Submissions (3):

GeneDx
Classification: Uncertain significance. Last evaluated: 2025-02-12. Review status: criteria provided, single submitter. Criteria: GeneDx Variant Classification Process June 2021. Collection method: clinical testing. Allele origin: germline. Affected: yes.
Comment: Not observed at significant frequency in large population cohorts (gnomAD); In silico analysis supports that this missense variant has a deleterious effect on protein structure/function; Has not been previously published as pathogenic or benign to our knowledge

Labcorp Genetics (formerly Invitae), Labcorp
Classification: Uncertain significance for Hereditary spastic paraplegia 30; Neuropathy, hereditary sensory, type 2C; Intellectual disability, autosomal dominant 9. Last evaluated: 2023-02-16. Review status: criteria provided, single submitter. Criteria: Invitae Variant Classification Sherloc (09022015). Collection method: clinical testing. Allele origin: germline.
Comment: This sequence change replaces arginine, which is basic and polar, with tryptophan, which is neutral and slightly polar, at codon 653 of the KIF1A protein (p.Arg653Trp). This variant is not present in population databases (gnomAD no frequency). This variant has not been reported in the literature in individuals affected with KIF1A-related conditions. ClinVar contains an entry for this variant (Variation ID: 1783853). Advanced modeling of protein sequence and biophysical properties (such as structural, functional, and spatial information, amino acid conservation, physicochemical variation, residue mobility, and thermodynamic stability) has been performed at Invitae for this missense variant, however the output from this modeling did not meet the statistical confidence thresholds required to predict the impact of this variant on KIF1A protein function. In summary, the available evidence is currently insufficient to determine the role of this variant in disease. Therefore, it has been classified as a Variant of Uncertain Significance.

Ambry Genetics
Classification: Uncertain significance for Inborn genetic diseases. Last evaluated: 2020-03-02. Review status: criteria provided, single submitter. Criteria: Ambry Variant Classification Scheme 2023. Collection method: clinical testing. Allele origin: germline.
Comment: The p.R662W variant (also known as c.1984C>T), located in coding exon 21 of the KIF1A gene, results from a C to T substitution at nucleotide position 1984. The arginine at codon 662 is replaced by tryptophan, an amino acid with dissimilar properties. This amino acid position is highly conserved in available vertebrate species. In addition, the in silico prediction for this alteration is inconclusive. Since supporting evidence is limited at this time, the clinical significance of this alteration remains unclear.